The following is an entry in ClinVar:

NM_001376.5(DYNC1H1):c.11320A>G (p.Lys3774Glu)

Gene: DYNC1H1 (dynein cytoplasmic 1 heavy chain 1; plus strand). Cytogenetic location: 14q32.31.
Variant type: single nucleotide variant.
Coding change: c.11320A>G on transcript NM_001376.5 (MANE Select); coding-DNA position 11320, A replaced by G.
Protein change: p.Lys3774Glu; replaces lysine 3774 with glutamic acid.
Molecular consequence: missense variant.
Genome position (GRCh38, 1-based): chr14:102,039,114, A>G. VCF-style: chr14-102039114-A-G. GRCh37 (hg19) VCF-style: chr14-102505451-A-G.
Other names: short protein forms K3774E.
Identifiers: ClinVar variation 4802079 (VCV004802079.2).

ClinVar aggregate classification (germline): Conflicting classifications of pathogenicity. Review status: criteria provided, conflicting classifications (1 of 4 stars). 2 submissions from 2 submitters: Likely pathogenic (1); Uncertain significance (1). Last evaluated 2025-07-27.

Conditions:
Charcot-Marie-Tooth disease axonal type 2O. Also called: CHARCOT-MARIE-TOOTH NEUROPATHY, AXONAL, TYPE 2O; CHARCOT-MARIE-TOOTH DISEASE, AXONAL, AUTOSOMAL DOMINANT, TYPE 2O; Charcot-Marie-Tooth Neuropathy Type 2O; Charcot-Marie-Tooth disease, axonal, type 20. Identifiers: Orphanet 284232, MedGen C3280220, MONDO:0013644, OMIM 614228.
DYNC1H1-related disorder. Also called: DYNC1H1-related condition; DYNC1H1-related disorders. Identifiers: MedGen CN381529.

Submissions (2):

Labcorp Genetics (formerly Invitae), Labcorp
Classification: Uncertain significance for Charcot-Marie-Tooth disease axonal type 2O. Last evaluated: 2025-07-27. Review status: criteria provided, single submitter. Criteria: Invitae Variant Classification Sherloc (09022015). Collection method: clinical testing. Allele origin: germline.
Comment: This sequence change replaces lysine, which is basic and polar, with glutamic acid, which is acidic and polar, at codon 3774 of the DYNC1H1 protein (p.Lys3774Glu). This variant is not present in population databases (gnomAD no frequency). This variant has not been reported in the literature in individuals affected with DYNC1H1-related conditions. Invitae Evidence Modeling of protein sequence and biophysical properties (such as structural, functional, and spatial information, amino acid conservation, physicochemical variation, residue mobility, and thermodynamic stability) indicates that this missense variant is expected to disrupt DYNC1H1 protein function with a positive predictive value of 95%. In summary, the available evidence is currently insufficient to determine the role of this variant in disease. Therefore, it has been classified as a Variant of Uncertain Significance.

Blueprint Genetics
Classification: Likely pathogenic for DYNC1H1-related disorders. Last evaluated: 2021-12-07. Review status: criteria provided, single submitter. Criteria: ACMG Guidelines, 2015. Collection method: clinical testing. Allele origin: germline. Affected: yes. Observed: 1 variant allele.